The following is an entry in ClinVar:

ClinVar aggregate classification (germline): Uncertain significance. Review status: criteria provided, multiple submitters, no conflicts (2 of 4 stars). 3 submissions from 3 submitters: Uncertain significance (3). Last evaluated 2023-04-01.

Conditions:
Hereditary spastic paraplegia. Also called: Familial spastic paraparesis. Identifiers: Orphanet 685, MedGen C0037773, MONDO:0019064. Disease mechanism: loss of function.
Infantile-onset ascending hereditary spastic paralysis (IAHSP). Also called: Autosomal Recessive Juvenile Amyotrophic Lateral Sclerosis; Infantile-Onset Ascending Hereditary Spastic Paralysis (IAHSP). Identifiers: Orphanet 293168, MedGen C2931441, MONDO:0011797, OMIM 607225. Disease mechanism: loss of function.

Allele frequency attached by ClinVar (database versions not stated): ExAC 0.00001; gnomAD exomes 0.00001; gnomAD 0.00003; TOPMed 0.00003.
gnomAD v4.1: 24 of 1,614,026 alleles (0.0015%); highest among the groups gnomAD compares: African/African-American, 0.004%; no homozygotes.

Submissions (3):

CeGaT Center for Human Genetics Tuebingen
Classification: Uncertain significance. Last evaluated: 2023-04-01. Review status: criteria provided, single submitter. Criteria: CeGaT Center For Human Genetics Tuebingen Variant Classification Criteria Version 2. Collection method: clinical testing. Allele origin: germline. Affected: yes. Observed: 1 variant allele.
Comment: ALS2: PM2, BP1, BP4

Labcorp Genetics (formerly Invitae), Labcorp
Classification: Uncertain significance for Infantile-onset ascending hereditary spastic paralysis. Last evaluated: 2021-12-02. Review status: criteria provided, single submitter. Criteria: Invitae Variant Classification Sherloc (09022015). Collection method: clinical testing. Allele origin: germline.
Comment: This sequence change replaces arginine, which is basic and polar, with tryptophan, which is neutral and slightly polar, at codon 350 of the ALS2 protein (p.Arg350Trp). This variant is present in population databases (rs769268310, gnomAD 0.008%). This variant has not been reported in the literature in individuals affected with ALS2-related conditions. Algorithms developed to predict the effect of missense changes on protein structure and function are either unavailable or do not agree on the potential impact of this missense change (SIFT: "Deleterious"; PolyPhen-2: "Benign"; Align-GVGD: "Class C0"). In summary, the available evidence is currently insufficient to determine the role of this variant in disease. Therefore, it has been classified as a Variant of Uncertain Significance.

Genome Diagnostics Laboratory, The Hospital for Sick Children
Classification: Uncertain significance for Hereditary spastic paraplegia. Last evaluated: 2020-01-01. Review status: criteria provided, single submitter. Criteria: ACMG Guidelines, 2015. Collection method: clinical testing. Allele origin: germline. Affected: yes.

NM_020919.4(ALS2):c.1048C>T (p.Arg350Trp)

Gene: ALS2 (alsin Rho guanine nucleotide exchange factor ALS2; minus strand). Cytogenetic location: 2q33.1.
Variant type: single nucleotide variant.
Coding change: c.1048C>T on transcript NM_020919.4 (MANE Select); coding-DNA position 1048, C replaced by T.
Protein change: p.Arg350Trp; replaces arginine 350 with tryptophan.
Molecular consequence: missense variant.
Genome position (GRCh38, 1-based): chr2:201,760,946, G>A on the plus strand (C>T on the coding strand, the complement: ALS2 is on the minus strand). VCF-style: chr2-201760946-G-A. GRCh37 (hg19) VCF-style: chr2-202625669-G-A.
Other names: c.1048C>T, p.Arg350Trp (NM_001135745.2); short protein forms R350W.
Identifiers: ClinVar variation 1344291 (VCV001344291.29), dbSNP rs769268310, ClinGen allele CA2058555.